The following is an entry in ClinVar:

NM_017739.4(POMGNT1):c.185G>A (p.Arg62Gln)

Gene: POMGNT1 (protein O-linked mannose N-acetylglucosaminyltransferase 1 (beta 1,2-); minus strand). Cytogenetic location: 1p34.1.
Variant type: single nucleotide variant.
Coding change: c.185G>A on transcript NM_017739.4 (MANE Select); coding-DNA position 185, G replaced by A.
Protein change: p.Arg62Gln; replaces arginine 62 with glutamine.
Molecular consequence: missense variant. On other transcripts: 5 prime UTR variant (1).
Genome position (GRCh38, 1-based): chr1:46,197,020, C>T on the plus strand (G>A on the coding strand, the complement: POMGNT1 is on the minus strand). VCF-style: chr1-46197020-C-T. GRCh37 (hg19) VCF-style: chr1-46662692-C-T.
Other names: c.185G>A, p.Arg62Gln (NM_001243766.2, NM_001410783.1); c.119G>A, p.Arg40Gln (NM_001290129.3); c.-245G>A (NM_001290130.2); short protein forms R62Q, R40Q.
Identifiers: ClinVar variation 968226 (VCV000968226.5), dbSNP rs779506923, ClinGen allele CA833833.

ClinVar aggregate classification (germline): Uncertain significance. Review status: criteria provided, multiple submitters, no conflicts (2 of 4 stars). 3 submissions from 3 submitters: Uncertain significance (2). 1 of the submissions does not count toward it. Last evaluated 2022-07-12.

Conditions:
Autosomal recessive limb-girdle muscular dystrophy type 2O. Also called: MUSCULAR DYSTROPHY-DYSTROGLYCANOPATHY (LIMB-GIRDLE), TYPE C, 3; MUSCULAR DYSTROPHY-DYSTROGLYCANOPATHY, LIMB-GIRDLE, POMGNT1-RELATED; Limb-Girdle Muscular Dystrophy Type 3C. Identifiers: Orphanet 206564, MedGen C3150417, MONDO:0013161, OMIM 613157.
Muscular dystrophy-dystroglycanopathy (congenital with impaired intellectual development), type B, 3. Also called: Muscular dystrophy-dystroglycanopathy (congenital with intellectual disability), type B3; MUSCULAR DYSTROPHY, CONGENITAL, POMGNT1-RELATED. Identifiers: MedGen C3150412, MONDO:0013155, OMIM 613151.
Muscle eye brain disease (MEB). Also called: Santavuori congenital muscular dystrophy. Identifiers: Orphanet 588, Orphanet 899, MedGen C0457133, MONDO:0018939.

Allele frequency attached by ClinVar (database versions not stated): ExAC 0.00003.

Submissions (3):

Labcorp Genetics (formerly Invitae), Labcorp
Classification: Uncertain significance for Autosomal recessive limb-girdle muscular dystrophy type 2O; Muscular dystrophy-dystroglycanopathy (congenital with impaired intellectual development), type B, 3. Last evaluated: 2022-07-12. Review status: criteria provided, single submitter. Criteria: Invitae Variant Classification Sherloc (09022015). Collection method: clinical testing. Allele origin: germline.
Comment: This sequence change replaces arginine, which is basic and polar, with glutamine, which is neutral and polar, at codon 62 of the POMGNT1 protein (p.Arg62Gln). This variant is present in population databases (rs779506923, gnomAD 0.01%). This variant has not been reported in the literature in individuals affected with POMGNT1-related conditions. ClinVar contains an entry for this variant (Variation ID: 968226). Advanced modeling of protein sequence and biophysical properties (such as structural, functional, and spatial information, amino acid conservation, physicochemical variation, residue mobility, and thermodynamic stability) performed at Invitae indicates that this missense variant is not expected to disrupt POMGNT1 protein function. In summary, the available evidence is currently insufficient to determine the role of this variant in disease. Therefore, it has been classified as a Variant of Uncertain Significance.

GeneDx
Classification: Uncertain significance. Last evaluated: 2021-06-18. Review status: criteria provided, single submitter. Criteria: GeneDx Variant Classification Process June 2021. Collection method: clinical testing. Allele origin: germline. Affected: yes.
Comment: Not observed at a significant frequency in large population cohorts (Lek et al., 2016); In silico analysis, which includes protein predictors and evolutionary conservation, supports that this variant does not alter protein structure/function; Has not been previously published as pathogenic or benign to our knowledge

Natera, Inc.
Classification: Uncertain significance for Muscle-eye-brain disease. Last evaluated: 2020-06-18. Review status: no assertion criteria provided. Collection method: clinical testing. Allele origin: germline. Not counted in ClinVar's aggregate classification.